The following is an entry in ClinVar:

NM_002800.5(PSMB9):c.190G>T (p.Ala64Ser)

Gene: PSMB9 (proteasome 20S subunit beta 9; plus strand). Cytogenetic location: 6p21.32.
Variant type: single nucleotide variant.
Coding change: c.190G>T on transcript NM_002800.5 (MANE Select); coding-DNA position 190, G replaced by T.
Protein change: p.Ala64Ser; replaces alanine 64 with serine.
Molecular consequence: missense variant.
Genome position (GRCh38, 1-based): chr6:32,857,324, G>T. VCF-style: chr6-32857324-G-T. GRCh37 (hg19) VCF-style: chr6-32825101-G-T.
Other names: p.Ala64Ser; short protein forms A64S.
Identifiers: ClinVar variation 3910527 (VCV003910527.2).
Genomic context (GRCh38, chr6:32,857,324, plus strand): 5'-GAGGCGGTGGTGAACCGAGTGTTTGACAAGCTGTCCCCGCTGCACGAGCGCATCTACTGT[G>T]CACTCTCTGGTTCAGCTGCTGATGCCCAAGCCGTGGCCGACATGGCCGCCTACCAGCTGG-3'
Protein context (NP_002791.1, residues 54-74): LSPLHERIYC[Ala64Ser]LSGSAADAQA

ClinVar aggregate classification (germline): Conflicting classifications of pathogenicity. Review status: criteria provided, conflicting classifications (1 of 4 stars). 2 submissions from 2 submitters: Uncertain significance (1); Likely benign (1). Last evaluated 2025-03-31.

gnomAD v4.1: 401 of 1,612,734 alleles (0.025%); highest among the groups gnomAD compares: Admixed American, 0.07%; 1 homozygote.

Submissions (2):

Mayo Clinic Laboratories, Mayo Clinic
Classification: Uncertain significance. Last evaluated: 2025-03-31. Review status: criteria provided, single submitter. Criteria: ACMG Guidelines, 2015. Collection method: clinical testing. Allele origin: germline. Observed: 1 variant allele.
Comment: BP4

Laboratory of Genetics, Children's Clinical University Hospital Latvia
Classification: Likely benign. Last evaluated: 2025-02-16. Review status: criteria provided, single submitter. Criteria: ACMG Guidelines, 2015. Collection method: clinical testing. Allele origin: germline. Affected: yes.

Literature cited by the submitters: PubMed 37116292 (cited by Mayo Clinic Laboratories, Mayo Clinic).